The following is an entry in ClinVar:

NC_000016.9:g.(?_89877105)_(89877489_?)del

Gene: FANCA (FA complementation group A; minus strand). Cytogenetic location: 16q24.3.
Variant type: Deletion.
Identifiers: ClinVar variation 1069470 (VCV001069470.6).

ClinVar aggregate classification (germline): Pathogenic (1 of 4 stars; one submission).

Conditions:
Fanconi anemia (FA). Also called: Fanconi's anemia. Identifiers: Orphanet 84, MedGen C0015625, MeSH D005199, MONDO:0019391.

Submission:

Labcorp Genetics (formerly Invitae), Labcorp
Classification: Pathogenic for Fanconi anemia. Last evaluated: 2021-08-04. Review status: criteria provided, single submitter. Criteria: Invitae Variant Classification Sherloc (09022015). Collection method: clinical testing. Allele origin: germline.
Comment: This variant is a gross deletion of the genomic region encompassing exon(s) 4-5 of the FANCA gene. This deletion is out-of-frame, and is expected to create a premature translational stop signal and result in an absent or disrupted protein product. Loss-of-function variants in FANCA are known to be pathogenic (PMID: 19367192). A similar copy number variant has been observed in individual(s) with Fanconi anemia (PMID: 17924555). For these reasons, this variant has been classified as Pathogenic.

Literature cited by the submitters: PubMed 19367192; PubMed 17924555.